The following is an entry in ClinVar:

NM_004700.4(KCNQ4):c.1267A>C (p.Ser423Arg)

Gene: KCNQ4 (potassium voltage-gated channel subfamily Q member 4; plus strand). Cytogenetic location: 1p34.2.
Variant type: single nucleotide variant.
Coding change: c.1267A>C on transcript NM_004700.4 (MANE Select); coding-DNA position 1267, A replaced by C.
Protein change: p.Ser423Arg; replaces serine 423 with arginine.
Molecular consequence: missense variant. On other transcripts: intron variant (1).
Genome position (GRCh38, 1-based): chr1:40,824,233, A>C. VCF-style: chr1-40824233-A-C. GRCh37 (hg19) VCF-style: chr1-41289905-A-C.
Other names: c.1130+1831A>C (NM_172163.3); short protein forms S423R.
Identifiers: ClinVar variation 163753 (VCV000163753.6), dbSNP rs368294870, ClinGen allele CA176477.

ClinVar aggregate classification (germline): Uncertain significance. Review status: criteria provided, multiple submitters, no conflicts (2 of 4 stars). 3 submissions from 3 submitters: Uncertain significance (3). Last evaluated 2023-04-11.

Conditions:
Autosomal dominant nonsyndromic hearing loss 2A. Also called: DFNA2 Nonsyndromic Hearing Loss; Autosomal dominant nonsyndromic deafness 2A; Deafness, autosomal dominant 2A. Identifiers: Orphanet 90635, MedGen C2677637, MONDO:0010817, OMIM 600101.

Allele frequency attached by ClinVar (database versions not stated): TOPMed 0.00009; 1000 Genomes Project 30x 0.00016; 1000 Genomes Project 0.00020.
gnomAD v4.1: 17 of 1,608,684 alleles (0.0011%); highest among the groups gnomAD compares: African/African-American, 0.02%; no homozygotes.

Submissions (3):

Genome-Nilou Lab
Classification: Uncertain significance for Autosomal dominant nonsyndromic hearing loss 2A. Last evaluated: 2023-04-11. Review status: criteria provided, single submitter. Criteria: ACMG Guidelines, 2015. Collection method: clinical testing. Allele origin: germline. Affected: no.

GeneDx
Classification: Uncertain significance. Last evaluated: 2023-03-03. Review status: criteria provided, single submitter. Criteria: GeneDx Variant Classification Process June 2021. Collection method: clinical testing. Allele origin: germline. Affected: yes.
Comment: In silico analysis supports that this missense variant does not alter protein structure/function; Has not been previously published as pathogenic or benign to our knowledge

Laboratory for Molecular Medicine, Mass General Brigham Personalized Medicine
Classification: Uncertain significance. Last evaluated: 2014-04-12. Review status: criteria provided, single submitter. Criteria: LMM Criteria. Collection method: clinical testing. Allele origin: germline. Observed: 1 variant allele.
Comment: Variant classified as Uncertain Significance - Favor Benign. The Ser423Arg varia nt in KCNQ4 has not been previously reported in individuals with hearing loss an d was absent from large population studies. Computational prediction tools and conservation analyses suggest this variant may not impact the protein, though th is information is not predictive enough to rule out pathogenicity. In summary, t he clinical significance of this variant cannot be determined with certainty; ho wever based upon the computational data, we would lean towards a more likely ben ign role.